The following is an entry in ClinVar:

ClinVar aggregate classification (germline): Uncertain significance. Review status: criteria provided, multiple submitters, no conflicts (2 of 4 stars). 2 submissions from 2 submitters: Uncertain significance (2). Last evaluated 2024-12-31.

Conditions:
Inborn genetic diseases. Identifiers: MedGen C0950123, MeSH D030342.

gnomAD v4.1: 4 of 1,612,076 alleles (0.00025%); highest among the groups gnomAD compares: South Asian, 0.0022%; no homozygotes.

Submissions (2):

Ambry Genetics
Classification: Uncertain significance for Inborn genetic diseases. Last evaluated: 2024-12-31. Review status: criteria provided, single submitter. Criteria: Ambry Variant Classification Scheme 2023. Collection method: clinical testing. Allele origin: germline.
Comment: The p.Q834R variant (also known as c.2501A>G), located in coding exon 12 of the BMPR2 gene, results from an A to G substitution at nucleotide position 2501. The glutamine at codon 834 is replaced by arginine, an amino acid with highly similar properties. This amino acid position is conserved. In addition, the in silico prediction for this alteration is inconclusive. Based on the available evidence, the clinical significance of this variant remains unclear.

Mayo Clinic Laboratories, Mayo Clinic
Classification: Uncertain significance. Last evaluated: 2024-08-27. Review status: criteria provided, single submitter. Criteria: ACMG Guidelines, 2015. Collection method: clinical testing. Allele origin: germline. Observed: 1 variant allele.

NM_001204.7(BMPR2):c.2501A>G (p.Gln834Arg)

Gene: BMPR2 (bone morphogenetic protein receptor type 2; plus strand). Cytogenetic location: 2q33.2.
Variant type: single nucleotide variant.
Coding change: c.2501A>G on transcript NM_001204.7 (MANE Select); coding-DNA position 2501, A replaced by G.
Protein change: p.Gln834Arg; replaces glutamine 834 with arginine.
Molecular consequence: missense variant.
Genome position (GRCh38, 1-based): chr2:202,556,166, A>G. VCF-style: chr2-202556166-A-G. GRCh37 (hg19) VCF-style: chr2-203420889-A-G.
Other names: p.Gln834Arg; short protein forms Q834R.
Identifiers: ClinVar variation 3379413 (VCV003379413.2).